The following is an entry in ClinVar:

NM_000301.5(PLG):c.400A>G (p.Arg134Gly)

Gene: PLG (plasminogen; plus strand). Cytogenetic location: 6q26.
Variant type: single nucleotide variant.
Coding change: c.400A>G on transcript NM_000301.5 (MANE Select); coding-DNA position 400, A replaced by G.
Protein change: p.Arg134Gly; replaces arginine 134 with glycine.
Molecular consequence: missense variant.
Genome position (GRCh38, 1-based): chr6:160,711,184, A>G. VCF-style: chr6-160711184-A-G. GRCh37 (hg19) VCF-style: chr6-161132216-A-G.
Other names: c.400A>G, p.Arg134Gly (NM_001168338.1); short protein forms R134G.
Identifiers: ClinVar variation 4801410 (VCV004801410.1).

ClinVar aggregate classification (germline): Uncertain significance (1 of 4 stars; one submission).

Submission:

Labcorp Genetics (formerly Invitae), Labcorp
Classification: Uncertain significance. Last evaluated: 2025-12-08. Review status: criteria provided, single submitter. Criteria: Invitae Variant Classification Sherloc (09022015). Collection method: clinical testing. Allele origin: germline.
Comment: This sequence change replaces arginine, which is basic and polar, with glycine, which is neutral and non-polar, at codon 134 of the PLG protein (p.Arg134Gly). This variant is not present in population databases (gnomAD no frequency). This variant has not been reported in the literature in individuals affected with PLG-related conditions. Invitae Evidence Modeling of protein sequence and biophysical properties (such as structural, functional, and spatial information, amino acid conservation, physicochemical variation, residue mobility, and thermodynamic stability) indicates that this missense variant is not expected to disrupt PLG protein function with a negative predictive value of 95%. In summary, the available evidence is currently insufficient to determine the role of this variant in disease. Therefore, it has been classified as a Variant of Uncertain Significance.